The following is an entry in ClinVar:

ClinVar aggregate classification (germline): Uncertain significance. Review status: criteria provided, multiple submitters, no conflicts (2 of 4 stars). 2 submissions from 2 submitters: Uncertain significance (2). Last evaluated 2025-09-24.

Submissions (2):

Dasa
Classification: Uncertain significance. Last evaluated: 2025-09-24. Review status: criteria provided, single submitter. Criteria: DASA Assertion Criteria. Collection method: clinical testing. Allele origin: germline.
Comment: NM_033004.4(NLRP1):c.4384A>T (p.Lys1462*) is a nonsense variant in NLRP1 predicted to introduce a premature termination codon. This variant is rare in population databases. The currently available literature and clinical evidence are not sufficient to establish a definitive association between this variant and the reported condition. Therefore, this variant is classified as a variant of uncertain significance.

Labcorp Genetics (formerly Invitae), Labcorp
Classification: Uncertain significance. Last evaluated: 2025-09-23. Review status: criteria provided, single submitter. Criteria: Invitae Variant Classification Sherloc (09022015). Collection method: clinical testing. Allele origin: germline.
Comment: This sequence change creates a premature translational stop signal (p.Lys1462*) in the NLRP1 gene. While this is not anticipated to result in nonsense mediated decay, it is expected to disrupt the last 12 amino acid(s) of the NLRP1 protein. This variant is not present in population databases (gnomAD no frequency). This variant has not been reported in the literature in individuals affected with NLRP1-related conditions. Experimental studies and prediction algorithms are not available or were not evaluated, and the functional significance of this variant is currently unknown. In summary, the available evidence is currently insufficient to determine the role of this variant in disease. Therefore, it has been classified as a Variant of Uncertain Significance.

NM_033004.4(NLRP1):c.4384A>T (p.Lys1462Ter)

Gene: NLRP1 (NLR family pyrin domain containing 1; minus strand). Cytogenetic location: 17p13.2.
Variant type: single nucleotide variant.
Coding change: c.4384A>T on transcript NM_033004.4 (MANE Select); coding-DNA position 4384, A replaced by T.
Protein change: p.Lys1462Ter; replaces lysine 1462 with a stop codon.
Molecular consequence: nonsense. On other transcripts: intron variant (1).
Genome position (GRCh38, 1-based): chr17:5,514,792, T>A on the plus strand (A>T on the coding strand, the complement: NLRP1 is on the minus strand). VCF-style: chr17-5514792-T-A. GRCh37 (hg19) VCF-style: chr17-5418112-T-A.
Other names: c.4252A>T, p.Lys1418Ter (NM_014922.5); c.4294A>T, p.Lys1432Ter (NM_033006.4); c.4162A>T, p.Lys1388Ter (NM_033007.4); c.4069+2954A>T (NM_001033053.3); short protein forms K1388*, K1418*, K1432*, K1462*.
Identifiers: ClinVar variation 4699012 (VCV004699012.3).